The following is an entry in ClinVar:

NM_000059.4(BRCA2):c.5149del (p.Glu1717fs)

Gene: BRCA2 (BRCA2 DNA repair associated; plus strand). Cytogenetic location: 13q13.1.
Variant type: Deletion.
Coding change: c.5149del on transcript NM_000059.4 (MANE Select); coding-DNA position 5149, one base deleted (G; older notation c.5149delG).
Protein change: p.Glu1717fs; shifts the reading frame from glutamic acid 1717.
Molecular consequence: frameshift variant.
Genome position (GRCh38, 1-based): chr13:32,339,504, G deleted. VCF-style (leftmost placement, unchanged base first): chr13-32339503-TG-T. GRCh37 (hg19) VCF-style: chr13-32913640-TG-T.
Other names: 5377delG; short protein forms E1717fs.
Identifiers: ClinVar variation 266852 (VCV000266852.5), dbSNP rs886040569, ClinGen allele CA10589290.

ClinVar aggregate classification (germline): Pathogenic. Review status: reviewed by expert panel (3 of 4 stars). 2 submissions from 2 submitters: Pathogenic (1). 1 of the submissions does not count toward it. Last evaluated 2016-10-18.

Conditions:
Breast-ovarian cancer, familial, susceptibility to, 2 (BROVCA2). Also called: BRCA2 Hereditary Breast and Ovarian Cancer. Identifiers: Orphanet 145, MedGen C2675520, MONDO:0012933, OMIM 612555. Disease mechanism: loss of function.

Submissions (2):

Evidence-based Network for the Interpretation of Germline Mutant Alleles (ENIGMA)
Classification: Pathogenic for Breast-ovarian cancer, familial, susceptibility to, 2. Last evaluated: 2016-10-18. Review status: reviewed by expert panel. Criteria: ENIGMA BRCA1/2 Classification Criteria (2015). Collection method: curation. Allele origin: germline.
Comment: Variant allele predicted to encode a truncated non-functional protein.

Mendelics
Classification: Pathogenic for Breast-ovarian cancer, familial, susceptibility to, 2. Last evaluated: 2019-05-28. Review status: criteria provided, single submitter. Criteria: Mendelics Assertion Criteria 2017. Collection method: clinical testing. Allele origin: unknown. Not counted in ClinVar's aggregate classification.